The following is an entry in ClinVar:

NM_000553.6(WRN):c.1430A>G (p.Lys477Arg)

Gene: WRN (WRN RecQ like helicase; plus strand). Cytogenetic location: 8p12.
Variant type: single nucleotide variant.
Coding change: c.1430A>G on transcript NM_000553.6 (MANE Select); coding-DNA position 1430, A replaced by G.
Protein change: p.Lys477Arg; replaces lysine 477 with arginine.
Molecular consequence: missense variant.
Genome position (GRCh38, 1-based): chr8:31,085,245, A>G. VCF-style: chr8-31085245-A-G. GRCh37 (hg19) VCF-style: chr8-30942761-A-G.
Other names: short protein forms K477R.
Identifiers: ClinVar variation 571139 (VCV000571139.7), dbSNP rs753372985, ClinGen allele CA4704354.
Genomic context (GRCh38, chr8:31,085,245, plus strand): 5'-ATGAAAACGATACGTCCTATGTAATTGAGAGTGATGAAGATTTAGAAATGGAGATGCTTA[A>G]GGTATGTTTACAATTATAAAAACATTACTTCAAGTTCTTTCCAAAGGACATTTAATTAAG-3'
Protein context (NP_000544.2, residues 467-487): SDEDLEMEML[Lys477Arg]SLENLNSGTV

ClinVar aggregate classification (germline): Uncertain significance (1 of 4 stars; one submission).

Conditions:
Werner syndrome (WRN). Identifiers: Orphanet 902, MedGen C0043119, MONDO:0010196, OMIM 277700.

Allele frequency attached by ClinVar (database versions not stated): TOPMed below 0.00001; ExAC 0.00001; gnomAD 0.00001; gnomAD exomes 0.00001.
gnomAD v4.1: 11 of 1,612,650 alleles (0.00068%); highest among the groups gnomAD compares: Admixed American, 0.0017%; no homozygotes.

Submission:

Labcorp Genetics (formerly Invitae), Labcorp
Classification: Uncertain significance for Werner syndrome. Last evaluated: 2026-01-21. Review status: criteria provided, single submitter. Criteria: Invitae Variant Classification Sherloc (09022015). Collection method: clinical testing. Allele origin: germline.
Comment: This sequence change replaces lysine, which is basic and polar, with arginine, which is basic and polar, at codon 477 of the WRN protein (p.Lys477Arg). The frequency data for this variant in the population databases is considered unreliable, as metrics indicate poor data quality at this position in the gnomAD database. This variant has not been reported in the literature in individuals affected with WRN-related conditions. ClinVar contains an entry for this variant (Variation ID: 571139). An algorithm developed to predict the effect of missense changes on protein structure and function (PolyPhen-2) suggests that this variant is likely to be disruptive. Algorithms developed to predict the effect of sequence changes on RNA splicing suggest that this variant may disrupt the consensus splice site. In summary, the available evidence is currently insufficient to determine the role of this variant in disease. Therefore, it has been classified as a Variant of Uncertain Significance.